The following is an entry in ClinVar:

ClinVar aggregate classification (germline): Uncertain significance (1 of 4 stars; one submission).

Allele frequency attached by ClinVar (database versions not stated): gnomAD exomes below 0.00001 and 0.00001; TOPMed 0.00001; ExAC 0.00002.
gnomAD v4.1: 5 of 1,613,860 alleles (0.00031%); highest among the groups gnomAD compares: Non-Finnish European, 0.00042%; no homozygotes.

Submission:

Labcorp Genetics (formerly Invitae), Labcorp
Classification: Uncertain significance. Last evaluated: 2023-11-27. Review status: criteria provided, single submitter. Criteria: Invitae Variant Classification Sherloc (09022015). Collection method: clinical testing. Allele origin: germline.
Comment: This sequence change replaces valine, which is neutral and non-polar, with isoleucine, which is neutral and non-polar, at codon 52 of the TIMP3 protein (p.Val52Ile). This variant is present in population databases (rs767357058, gnomAD 0.002%). This variant has not been reported in the literature in individuals affected with TIMP3-related conditions. ClinVar contains an entry for this variant (Variation ID: 1379656). An algorithm developed to predict the effect of missense changes on protein structure and function (PolyPhen-2) suggests that this variant is likely to be tolerated. In summary, the available evidence is currently insufficient to determine the role of this variant in disease. Therefore, it has been classified as a Variant of Uncertain Significance.

NM_000362.5(TIMP3):c.154G>A (p.Val52Ile)

Genes: SYN3 (synapsin III; minus strand), TIMP3 (TIMP metallopeptidase inhibitor 3; plus strand). Cytogenetic location: 22q12.3.
Variant type: single nucleotide variant.
Coding change: c.154G>A on transcript NM_000362.5 (MANE Select); coding-DNA position 154, G replaced by A.
Protein change: p.Val52Ile; replaces valine 52 with isoleucine.
Molecular consequence: missense variant. On other transcripts: intron variant (7).
Genome position (GRCh38, 1-based): chr22:32,849,484, G>A. VCF-style: chr22-32849484-G-A. GRCh37 (hg19) VCF-style: chr22-33245471-G-A.
Other names: c.708+15431C>T (NM_001369909.1, NM_001135774.2, NM_001369910.1); c.711+15431C>T (NM_001369907.1, NM_003490.4, NM_001369908.1 and 1 more transcripts); short protein forms V52I.
Identifiers: ClinVar variation 1379656 (VCV001379656.6), dbSNP rs767357058, ClinGen allele CA10202180.